The following is an entry in ClinVar:

ClinVar aggregate classification (germline): Uncertain significance (1 of 4 stars; one submission).

Submission:

Labcorp Genetics (formerly Invitae), Labcorp
Classification: Uncertain significance. Last evaluated: 2025-08-25. Review status: criteria provided, single submitter. Criteria: Invitae Variant Classification Sherloc (09022015). Collection method: clinical testing. Allele origin: germline.
Comment: This sequence change replaces glutamic acid, which is acidic and polar, with alanine, which is neutral and non-polar, at codon 1328 of the CACNA1D protein (p.Glu1328Ala). This variant is not present in population databases (gnomAD no frequency). This variant has not been reported in the literature in individuals affected with CACNA1D-related conditions. An algorithm developed to predict the effect of missense changes on protein structure and function (PolyPhen-2) suggests that this variant is likely to be disruptive. In summary, the available evidence is currently insufficient to determine the role of this variant in disease. Therefore, it has been classified as a Variant of Uncertain Significance.

NM_001128840.3(CACNA1D):c.3923A>C (p.Glu1308Ala)

Gene: CACNA1D (calcium voltage-gated channel subunit alpha1 D; plus strand). Cytogenetic location: 3p21.1.
Variant type: single nucleotide variant.
Coding change: c.3923A>C on transcript NM_001128840.3 (MANE Select); coding-DNA position 3923, A replaced by C.
Protein change: p.Glu1308Ala; replaces glutamic acid 1308 with alanine.
Molecular consequence: missense variant.
Genome position (GRCh38, 1-based): chr3:53,770,431, A>C. VCF-style: chr3-53770431-A-C. GRCh37 (hg19) VCF-style: chr3-53804458-A-C.
Other names: c.3983A>C, p.Glu1328Ala (NM_000720.4); c.3878A>C, p.Glu1293Ala (NM_001128839.3); short protein forms E1293A, E1308A, E1328A.
Identifiers: ClinVar variation 4764355 (VCV004764355.1).